The following is an entry in ClinVar:

NM_017775.4(TTC19):c.465del (p.Glu156fs)

Gene: TTC19 (tetratricopeptide repeat domain 19; plus strand). Cytogenetic location: 17p12.
Variant type: Deletion.
Coding change: c.465del on transcript NM_017775.4 (MANE Select); coding-DNA position 465, one base deleted (T; older notation c.465delT).
Protein change: p.Glu156fs; shifts the reading frame from glutamic acid 156.
Molecular consequence: frameshift variant.
Genome position (GRCh38, 1-based): chr17:16,003,833, T deleted. VCF-style (leftmost placement, unchanged base first): chr17-16003832-CT-C. GRCh37 (hg19) VCF-style: chr17-15907146-CT-C.
Other names: c.144del, p.Glu49fs (NM_001271420.2); short protein forms E156fs, E49fs.
Identifiers: ClinVar variation 4855334 (VCV004855334.1).

ClinVar aggregate classification (germline): Pathogenic (1 of 4 stars; one submission).

Conditions:
Mitochondrial complex III deficiency nuclear type 2. Identifiers: MedGen C3554605, MONDO:0014063, OMIM 615157.

Submission:

3billion
Classification: Pathogenic for Mitochondrial complex III deficiency nuclear type 2. Last evaluated: 2025-11-19. Review status: criteria provided, single submitter. Criteria: ACMG Guidelines, 2015. Collection method: clinical testing. Allele origin: germline. Affected: yes.
Comment: The variant is not observed in the gnomAD v4.1.0 dataset. Predicted Consequence/Location: Frameshift: predicted to result in a loss or disruption of normal protein function through nonsense-mediated decay (NMD) or protein truncation. Multiple pathogenic variants are reported downstream of the variant. Therefore, this variant is classified as Pathogenic according to the recommendation of ACMG/AMP guideline.